The following is an entry in ClinVar:

NM_001242896.3(DEPDC5):c.752A>G (p.Tyr251Cys)

Gene: DEPDC5 (DEP domain containing 5, GATOR1 subcomplex subunit; plus strand). Cytogenetic location: 22q12.2.
Variant type: single nucleotide variant.
Coding change: c.752A>G on transcript NM_001242896.3 (MANE Select); coding-DNA position 752, A replaced by G.
Protein change: p.Tyr251Cys; replaces tyrosine 251 with cysteine.
Molecular consequence: missense variant. On other transcripts: non-coding transcript variant (5).
Genome position (GRCh38, 1-based): chr22:31,792,802, A>G. VCF-style: chr22-31792802-A-G. GRCh37 (hg19) VCF-style: chr22-32188788-A-G.
Other names: c.752A>G, p.Tyr251Cys (NM_001007188.4, NM_001136029.4, NM_001242897.2 and 7 more transcripts); c.668A>G, p.Tyr223Cys (NM_001369901.1, NM_001369902.1); short protein forms Y251C, Y223C.
Identifiers: ClinVar variation 423005 (VCV000423005.11), dbSNP rs1064796158, ClinGen allele CA16621101.

ClinVar aggregate classification (germline): Uncertain significance. Review status: criteria provided, multiple submitters, no conflicts (2 of 4 stars). 2 submissions from 2 submitters: Uncertain significance (2). Last evaluated 2024-09-24.

Conditions:
Familial focal epilepsy with variable foci (FPEVF). Identifiers: Orphanet 98820, MedGen C1858477, MONDO:0020310.

gnomAD v4.1: 5 of 1,539,636 alleles (0.00032%); highest among the groups gnomAD compares: Non-Finnish European, 0.00043%; no homozygotes.

Submissions (2):

Labcorp Genetics (formerly Invitae), Labcorp
Classification: Uncertain significance for Familial focal epilepsy with variable foci. Last evaluated: 2024-09-24. Review status: criteria provided, single submitter. Criteria: Invitae Variant Classification Sherloc (09022015). Collection method: clinical testing. Allele origin: germline.
Comment: This sequence change replaces tyrosine, which is neutral and polar, with cysteine, which is neutral and slightly polar, at codon 251 of the DEPDC5 protein (p.Tyr251Cys). This variant is not present in population databases (gnomAD no frequency). This variant has not been reported in the literature in individuals affected with DEPDC5-related conditions. ClinVar contains an entry for this variant (Variation ID: 423005). Experimental studies and prediction algorithms are not available or were not evaluated, and the functional significance of this variant is currently unknown. In summary, the available evidence is currently insufficient to determine the role of this variant in disease. Therefore, it has been classified as a Variant of Uncertain Significance.

GeneDx
Classification: Uncertain significance. Last evaluated: 2017-01-17. Review status: criteria provided, single submitter. Criteria: GeneDx Variant Classification (06012015). Collection method: clinical testing. Allele origin: germline. Affected: yes.
Comment: A variant of uncertain significance has been identified in the DEPDC5 gene. The Y251C variant has not been published as a pathogenic variant, nor has it been reported as a benign variant to our knowledge. It is not observed in large population cohorts (Lek et al., 2016; 1000 Genomes Consortium et al., 2015; Exome Variant Server). The Y251C variant is a non-conservative amino acid substitution, which is likely to impact secondary protein structure as these residues differ in polarity, charge, size and/or other properties. This substitution occurs at a position that is conserved in mammals, and in silico analysis predicts the Y251C variant is probably damaging to the protein structure/function. Based on the currently available information, it is unclear whether this variant is a pathogenic variant or a rare benign variant.